The following is an entry in ClinVar:

ClinVar aggregate classification (germline): Likely pathogenic (1 of 4 stars; one submission).

Allele frequency attached by ClinVar (database versions not stated): TOPMed 0.00001.

Submission:

GeneDx
Classification: Likely pathogenic. Last evaluated: 2022-12-27. Review status: criteria provided, single submitter. Criteria: GeneDx Variant Classification Process June 2021. Collection method: clinical testing. Allele origin: germline. Affected: yes.
Comment: Nonsense variant predicted to result in protein truncation or nonsense mediated decay in a gene for which loss of function is a known mechanism of disease; Not observed at significant frequency in large population cohorts (gnomAD); Has not been previously published as pathogenic or benign to our knowledge

NM_000601.6(HGF):c.84T>G (p.Tyr28Ter)

Gene: HGF (hepatocyte growth factor; minus strand). Cytogenetic location: 7q21.11.
Variant type: single nucleotide variant.
Coding change: c.84T>G on transcript NM_000601.6 (MANE Select); coding-DNA position 84, T replaced by G.
Protein change: p.Tyr28Ter; replaces tyrosine 28 with a stop codon.
Molecular consequence: nonsense.
Genome position (GRCh38, 1-based): chr7:81,769,888, A>C on the plus strand (T>G on the coding strand, the complement: HGF is on the minus strand). VCF-style: chr7-81769888-A-C. GRCh37 (hg19) VCF-style: chr7-81399204-A-C.
Other names: c.84T>G, p.Tyr28Ter (NM_001010931.3, NM_001010932.3, NM_001010933.3 and 1 more transcripts); short protein forms Y28*.
Identifiers: ClinVar variation 2507239 (VCV002507239.1), dbSNP rs1279560054, ClinGen allele CA367876338.